The following is an entry in ClinVar:

ClinVar aggregate classification (germline): Uncertain significance. Review status: criteria provided, multiple submitters, no conflicts (2 of 4 stars). 2 submissions from 2 submitters: Uncertain significance (2). Last evaluated 2024-09-03.

Conditions:
Inborn genetic diseases. Identifiers: MedGen C0950123, MeSH D030342.
Glycogen storage disease IXd (GSD9D). Also called: Muscle Phosphorylase Kinase Deficiency; GSD IXd. Identifiers: Orphanet 715, MedGen C1845151, MONDO:0010362, OMIM 300559.

Allele frequency attached by ClinVar (database versions not stated): gnomAD exomes below 0.00001; ExAC 0.00004; TOPMed 0.00010; gnomAD 0.00011.
gnomAD v4.1: 16 of 1,201,548 alleles (0.0013%); highest among the groups gnomAD compares: African/African-American, 0.028%; no homozygotes.

Submissions (3):

Ambry Genetics
Classification: Uncertain significance for Inborn genetic diseases. Last evaluated: 2024-09-03. Review status: criteria provided, single submitter. Criteria: Ambry Variant Classification Scheme 2023. Collection method: clinical testing. Allele origin: germline.

Labcorp Genetics (formerly Invitae), Labcorp
Classification: Uncertain significance for Glycogen storage disease IXd. Last evaluated: 2023-04-17. Review status: criteria provided, single submitter. Criteria: Invitae Variant Classification Sherloc (09022015). Collection method: clinical testing. Allele origin: germline.
Comment: In summary, the available evidence is currently insufficient to determine the role of this variant in disease. Therefore, it has been classified as a Variant of Uncertain Significance. Advanced modeling of protein sequence and biophysical properties (such as structural, functional, and spatial information, amino acid conservation, physicochemical variation, residue mobility, and thermodynamic stability) performed at Invitae indicates that this missense variant is expected to disrupt PHKA1 protein function. This variant has not been reported in the literature in individuals affected with PHKA1-related conditions. This variant is present in population databases (rs782674118, gnomAD 0.03%). This sequence change replaces methionine, which is neutral and non-polar, with valine, which is neutral and non-polar, at codon 947 of the PHKA1 protein (p.Met947Val).

Dr. Peter K. Rogan Lab, Western University
No classification provided (evidence only). Condition: Thyroid cancer, nonmedullary, 1. Review status: no classification provided. Collection method: in vitro. Allele origin: not applicable. Functional consequence: skipped exon. Not counted in ClinVar's aggregate classification.

NM_002637.4(PHKA1):c.2839A>G (p.Met947Val)

Gene: PHKA1 (phosphorylase kinase regulatory subunit alpha 1; minus strand). Cytogenetic location: Xq13.1.
Variant type: single nucleotide variant.
Coding change: c.2839A>G on transcript NM_002637.4 (MANE Select); coding-DNA position 2839, A replaced by G.
Protein change: p.Met947Val; replaces methionine 947 with valine.
Molecular consequence: missense variant.
Genome position (GRCh38, 1-based): chrX:72,603,197, T>C on the plus strand (A>G on the coding strand, the complement: PHKA1 is on the minus strand). VCF-style: chrX-72603197-T-C. GRCh37 (hg19) VCF-style: chrX-71823047-T-C.
Other names: c.2839A>G, p.Met947Val (NM_001122670.2); c.2662A>G, p.Met888Val (NM_001172436.2); c.2839A>G (NM_002637.3); short protein forms M947V, M888V.
Identifiers: ClinVar variation 2731649 (VCV002731649.5), dbSNP rs782674118, ClinGen allele CA10450610.